The following continues an entry in ClinVar:

NM_004004.6(GJB2):c.1A>G (p.Met1Val)

Gene: GJB2. ClinVar aggregate classification (germline): Pathogenic. Pathogenic (1).

Submissions 5 to 17 of 17:

Labcorp Genetics (formerly Invitae), Labcorp
Classification: Pathogenic. Last evaluated: 2025-12-09. Review status: criteria provided, single submitter. Criteria: Invitae Variant Classification Sherloc (09022015). Collection method: clinical testing. Allele origin: germline. Not counted in ClinVar's aggregate classification.
Comment: This sequence change affects the initiator codon of the GJB2 mRNA. This change may impact translation initiation or efficiency. The next in-frame methionine is located at codon 34. This variant is present in population databases (rs111033293, gnomAD 0.02%). Disruption of the initiator codon has been observed in individuals with autosomal recessive non-syndromic deafness (PMID: 9482292, 10218527, 18941476, 20146813). ClinVar contains an entry for this variant (Variation ID: 44729). Algorithms developed to predict the effect of variants on gene product structure and function are not available or were not evaluated for this variant. Experimental studies have shown that disruption of the initiator codon affects GJB2 function (PMID: 12189493). For these reasons, this variant has been classified as Pathogenic.

Genetics Laboratory, Great Ormond Street Hospital NHS Foundation Trust, North Thames Genomic Laboratory Hub
Classification: Pathogenic for Monogenic hearing loss. Last evaluated: 2025-09-26. Review status: criteria provided, single submitter. Criteria: ACGS Best Practice Guidelines for Variant Classification in Rare Disease 2024 v1.2. Collection method: clinical testing. Allele origin: germline. Affected: yes. Not counted in ClinVar's aggregate classification.
Comment: PM2_moderate, PVS1_moderate, PS1_moderate, PS3_supporting, PP1_supporting, PM3_strong

Natera, Inc.
Classification: Pathogenic for Autosomal recessive deafness type 1A. Last evaluated: 2025-07-24. Review status: criteria provided, single submitter. Criteria: Natera Variant Classification Schema (03/2026). Collection method: clinical testing. Allele origin: germline. Not counted in ClinVar's aggregate classification.
Comment: The c.1A>G variant in GJB2 is predicted to result in start loss due to disruption of the initiator methionine. This variant is expected to result in nonsense mediated decay, truncation, or a dysfunctional protein product. This variant is rare in the general population with a frequency below the threshold expected for the associated phenotype(s). This variant has been observed in one or more individuals affected with the associated recessive disease, as either homozygous or compound heterozygous with a second variant (PMID: 26188157, 22695344). Given the available evidence, this variant is classified as Pathogenic.

Women's Health and Genetics/Laboratory Corporation of America, LabCorp
Classification: Pathogenic for Autosomal recessive nonsyndromic hearing loss 1A. Last evaluated: 2025-05-28. Review status: criteria provided, single submitter. Criteria: LabCorp Variant Classification Summary - May 2015. Collection method: clinical testing. Allele origin: germline. Not counted in ClinVar's aggregate classification.
Comment: Variant summary: GJB2 c.1A>G (p.Met1Val) alters the initiation codon and is predicted to result either in absence of the protein or truncation of the encoded protein due to translation initiation at a downstream codon. An alternative downstream in-frame start codon (Met34) is located in the encoded protein. An activation of potential downstream translation initiation site would result in a shortened protein missing the first 33 amino acids from the protein sequence. The variant allele was found at a frequency of 3.6e-05 in 249172 control chromosomes. c.1A>G has been observed in multiple homozygous and compound heterozygous individuals affected with Autosomal Recessive Non-Syndromic Hearing Loss (e.g.Estivill_1998, Denoyelle_1999, Bajaj_2008). These data indicate that the variant is very likely to be associated with disease. The following publications have been ascertained in the context of this evaluation (PMID: 18983339, 10218527, 9482292). ClinVar contains an entry for this variant (Variation ID: 44729). To our knowledge, this variant has not been reported in individuals with Autosomal Dominant Non-Syndromic Hearing Loss. Based on the evidence outlined above, the variant was classified as pathogenic for Autosomal Recessive Non-Syndromic Hearing Loss.

Blueprint Genetics
Classification: Pathogenic for GJB2-related disorders. Last evaluated: 2024-10-10. Review status: criteria provided, single submitter. Criteria: ACMG Guidelines, 2015. Collection method: clinical testing. Allele origin: germline. Affected: yes. Observed: 5 variant alleles. Not counted in ClinVar's aggregate classification.

Revvity Omics, Revvity
Classification: Pathogenic. Last evaluated: 2024-08-14. Review status: criteria provided, single submitter. Criteria: ACMG Guidelines, 2015. Collection method: clinical testing. Allele origin: germline. Not counted in ClinVar's aggregate classification.

GeneDx
Classification: Pathogenic. Last evaluated: 2022-03-31. Review status: criteria provided, single submitter. Criteria: GeneDx Variant Classification Process June 2021. Collection method: clinical testing. Allele origin: germline. Affected: yes. Not counted in ClinVar's aggregate classification.
Comment: Initiation codon variant in a gene for which loss-of-function is a known mechanism of disease; Published functional studies demonstrate that c.1A>G is a null variant (Thonnissen et al., 2002); This variant is associated with the following publications: (PMID: 20146813, 29542069, 9482292, 16950989, 16380907, 20083784, 23695287, 23555729, 16532460, 15488970, 12910486, 10218527, 9710598, 18941476, 29625052, 33504652, 12189493, 18983339)

Fulgent Genetics
Classification: Pathogenic for Mutilating keratoderma; Autosomal dominant keratitis-ichthyosis-hearing loss syndrome; Palmoplantar keratoderma-deafness syndrome; Knuckle pads, deafness AND leukonychia syndrome; Autosomal recessive nonsyndromic hearing loss 1A; X-linked mixed hearing loss with perilymphatic gusher; Autosomal dominant nonsyndromic hearing loss 3A. Last evaluated: 2022-02-14. Review status: criteria provided, single submitter. Criteria: ACMG Guidelines, 2015. Collection method: clinical testing. Allele origin: unknown. Not counted in ClinVar's aggregate classification.

ARUP Laboratories, Molecular Genetics and Genomics, ARUP Laboratories
Classification: Pathogenic. Last evaluated: 2021-02-22. Review status: criteria provided, single submitter. Criteria: ARUP Molecular Germline Variant Investigation Process 2021. Collection method: clinical testing. Allele origin: germline. Not counted in ClinVar's aggregate classification.
Comment: The GJB2 c.1A>G; p.Met1? variant has been described in the literature in individuals with autosomal recessive hearing loss as compound heterozygote with another GJB2 pathogenic variant or with a GJB6 pathogenic variant (Estivill 1998, Putcha 2007, Snoeckx 2005, Thonnissen 2002). This variant occurs in the initiation codon, the first methionine in the GJB2 protein, and has been shown to not produce a full-length functional protein (Thonnissen 2002). This variant is also reported in ClinVar (Variation ID: 44729). This variant is found in the general population with an overall allele frequency of 0.0036% (10/280566 alleles) in the Genome Aggregation Database. Therefore, this variant is considered pathogenic. References: Estivill X et al. Connexin-26 mutations in sporadic and inherited sensorineural deafness. Lancet. 1998 Feb 7;351(9100):394-8. Putcha GV et al. A multicenter study of the frequency and distribution of GJB2 and GJB6 mutations in a large North American cohort. Genet Med. 2007 Jul;9(7):413-26. Snoeckx RL et al. GJB2 mutations and degree of hearing loss: a multicenter study. Am J Hum Genet. 2005 Dec;77(6):945-57. Thönnissen E et al. Human connexin26 (GJB2) deafness mutations affect the function of gap junction channels at different levels of protein expression. Hum Genet. 2002 Aug;111(2):190-7.

Genomic Diagnostic Laboratory, Division of Genomic Diagnostics, Children's Hospital of Philadelphia
Classification: Pathogenic for Deafness, autosomal recessive 1A. Last evaluated: 2017-05-09. Review status: criteria provided, single submitter. Criteria: DGD Variant Analysis Guidelines. Collection method: clinical testing. Allele origin: germline. Affected: yes. Observed: 1 variant allele. Not counted in ClinVar's aggregate classification.

Eurofins Ntd Llc (ga)
Classification: Pathogenic. Last evaluated: 2017-03-01. Review status: criteria provided, single submitter. Criteria: EGL Classification Definitions 2015. Collection method: clinical testing. Allele origin: germline. Observed: 2 variant alleles, 2 heterozygotes. Not counted in ClinVar's aggregate classification.

Laboratory for Molecular Medicine, Mass General Brigham Personalized Medicine
Classification: Pathogenic for Rare genetic deafness. Last evaluated: 2016-03-03. Review status: criteria provided, single submitter. Criteria: LMM Criteria. Collection method: clinical testing. Allele origin: germline. Inheritance: Autosomal recessive inheritance. Observed: 4 variant alleles. Not counted in ClinVar's aggregate classification.
Comment: The c.1A>G in GJB2 has been reported in at least 8 individuals with nonsyndromic hearing loss and segregated with disease in 1 family member (Estivill 1998, Tho nnissen 2002, Snoeckx 2005, Gardner 2006, Bajaj 2008). Many of these individuals were either homozygous or compound heterozygous. In addition, this variant has now been identified by our laboratory in 4 individuals with hearing loss who wer e also compound heterozygous for another pathogenic variant affecting the other copy of GJB2. This variant has been identified in 2/66508 European chromosomes i n the heterozygous state by the Exome Aggregation Consortium (ExAC.; dbSNP rs111033293). It alters the start codon, and is there fore predicted to disrupt translation. An in vitro functional study provides som e evidence that that this variant might result in complete absence of protein (T honnissen 2002). In summary, this variant meets our criteria to be classified as pathogenic in an autosomal recessive manner.

Counsyl
Classification: Pathogenic for Autosomal recessive nonsyndromic hearing loss 1A. Last evaluated: 2016-10-12. Review status: no assertion criteria provided. Collection method: clinical testing. Allele origin: unknown. Not counted in ClinVar's aggregate classification.

Literature cited by the submitters: PubMed 20301449 (cited by Victorian Clinical Genetics Services, Murdoch Childrens Research Institute); PubMed 31160754 (cited by Victorian Clinical Genetics Services, Murdoch Childrens Research Institute); PubMed 12792423 (cited by Victorian Clinical Genetics Services, Murdoch Childrens Research Institute); PubMed 28428247 (cited by Victorian Clinical Genetics Services, Murdoch Childrens Research Institute); PubMed 9482292 (cited by 5 submitters); PubMed 10218527 (cited by 3 submitters); PubMed 18941476 (cited by Labcorp Genetics (formerly Invitae), Labcorp and Counsyl); PubMed 20146813 (cited by 3 submitters); PubMed 12189493 (cited by 4 submitters); PubMed 26188157 (cited by Natera, Inc. and Counsyl); PubMed 22695344 (cited by Natera, Inc.); PubMed 18983339 (cited by 4 submitters); PubMed 16380907 (cited by Eurofins Ntd Llc (ga) and Laboratory for Molecular Medicine, Mass General Brigham Personalized Medicine); PubMed 20083784 (cited by Eurofins Ntd Llc (ga)); PubMed 16950989 (cited by Laboratory for Molecular Medicine, Mass General Brigham Personalized Medicine); PubMed 23695287 (cited by Counsyl); PubMed 17666888 (cited by Counsyl); PubMed 16532460 (cited by Counsyl); PubMed 23555729 (cited by Counsyl); PubMed 15488970 (cited by Counsyl); PubMed 9710598 (cited by Counsyl); PubMed 12910486 (cited by Counsyl).